The following is an entry in ClinVar:

NM_007186.6(CEP250):c.1019C>T (p.Ser340Phe)

Genes: CEP250 (centrosomal protein 250; plus strand), CEP250-AS1 (CEP250 antisense RNA 1; minus strand). Cytogenetic location: 20q11.22.
Variant type: single nucleotide variant.
Coding change: c.1019C>T on transcript NM_007186.6 (MANE Select); coding-DNA position 1019, C replaced by T.
Protein change: p.Ser340Phe; replaces serine 340 with phenylalanine.
Molecular consequence: missense variant. On other transcripts: 5 prime UTR variant (1).
Genome position (GRCh38, 1-based): chr20:35,472,120, C>T. VCF-style: chr20-35472120-C-T. GRCh37 (hg19) VCF-style: chr20-34059945-C-T.
Other names: c.-881C>T (NM_001318219.1); short protein forms S340F.
Identifiers: ClinVar variation 2038981 (VCV002038981.4), dbSNP rs2515659931, ClinGen allele CA408758985.

ClinVar aggregate classification (germline): Uncertain significance (1 of 4 stars; one submission).

Submission:

Labcorp Genetics (formerly Invitae), Labcorp
Classification: Uncertain significance. Last evaluated: 2024-12-02. Review status: criteria provided, single submitter. Criteria: Invitae Variant Classification Sherloc (09022015). Collection method: clinical testing. Allele origin: germline.
Comment: This sequence change replaces serine, which is neutral and polar, with phenylalanine, which is neutral and non-polar, at codon 340 of the CEP250 protein (p.Ser340Phe). This variant is not present in population databases (gnomAD no frequency). This variant has not been reported in the literature in individuals affected with CEP250-related conditions. ClinVar contains an entry for this variant (Variation ID: 2038981). An algorithm developed to predict the effect of missense changes on protein structure and function (PolyPhen-2) suggests that this variant is likely to be disruptive. In summary, the available evidence is currently insufficient to determine the role of this variant in disease. Therefore, it has been classified as a Variant of Uncertain Significance.